The following is an entry in ClinVar:

ClinVar aggregate classification (germline): Uncertain significance (1 of 4 stars; one submission).

Conditions:
Hereditary cancer-predisposing syndrome. Also called: Neoplastic Syndromes, Hereditary; Tumor predisposition; Hereditary Cancer Syndrome; Hereditary neoplastic syndrome. Identifiers: Orphanet 140162, MedGen C0027672, MeSH D009386, MONDO:0015356.

Submission:

Ambry Genetics
Classification: Uncertain significance for Hereditary cancer-predisposing syndrome. Last evaluated: 2015-08-15. Review status: criteria provided, single submitter. Criteria: Ambry Variant Classification Scheme 2023. Collection method: clinical testing. Allele origin: germline.
Comment: The p.D515E variant (also known as c.1545C>A), located in coding exon 10 of the RAD50 gene, results from a C to A substitution at nucleotide position 1545. The aspartic acid at codon 515 is replaced by glutamic acid, an amino acid with highly similar properties. This variant was not reported in population based cohorts in the following databases: Database of Single Nucleotide Polymorphisms (dbSNP), NHLBI Exome Sequencing Project (ESP), and 1000 Genomes Project. In the ESP, this variant was not observed in 6503 samples (13006 alleles) with coverage at this position. To date, this alteration has been detected with an allele frequency of approximately 0.002% (greater than 65000 alleles tested) in our clinical cohort. This amino acid position is highly conserved in available vertebrate species. In addition, the in silico prediction for this alteration is inconclusive. Since supporting evidence is limited at this time, the clinical significance of p.D515E remains unclear.

NM_005732.4(RAD50):c.1545C>A (p.Asp515Glu)

Gene: RAD50 (RAD50 double strand break repair protein; plus strand). Cytogenetic location: 5q31.1.
Variant type: single nucleotide variant.
Coding change: c.1545C>A on transcript NM_005732.4 (MANE Select); coding-DNA position 1545, C replaced by A.
Protein change: p.Asp515Glu; replaces aspartic acid 515 with glutamic acid.
Molecular consequence: missense variant.
Genome position (GRCh38, 1-based): chr5:132,591,316, C>A. VCF-style: chr5-132591316-C-A. GRCh37 (hg19) VCF-style: chr5-131927008-C-A.
Other names: short protein forms D515E.
Identifiers: ClinVar variation 233401 (VCV000233401.5), dbSNP rs876659699, ClinGen allele CA10578533.